The following is an entry in ClinVar:

NM_005654.6(NR2F1):c.313G>A (p.Gly105Ser)

Genes: NR2F1 (nuclear receptor subfamily 2 group F member 1; plus strand), NR2F1-AS1 (NR2F1 regulatory antisense RNA 1; minus strand). Cytogenetic location: 5q15.
Variant type: single nucleotide variant.
Coding change: c.313G>A on transcript NM_005654.6 (MANE Select); coding-DNA position 313, G replaced by A.
Protein change: p.Gly105Ser; replaces glycine 105 with serine.
Molecular consequence: missense variant.
Genome position (GRCh38, 1-based): chr5:93,585,336, G>A. VCF-style: chr5-93585336-G-A. GRCh37 (hg19) VCF-style: chr5-92921042-G-A.
Other names: short protein forms G105S.
Identifiers: ClinVar variation 452994 (VCV000452994.8), dbSNP rs1554074677, ClinGen allele CA360525995.
Genomic context (GRCh38, chr5:93,585,336, plus strand): 5'-GAGTGCGTGGTGTGCGGGGACAAGTCGAGCGGCAAGCACTACGGCCAATTCACCTGCGAG[G>A]GCTGCAAAAGTTTCTTCAAGAGGAGCGTCCGCAGGAACTTAACTTACACATGCCGTGCCA-3'
Protein context (NP_005645.1, residues 95-115): GKHYGQFTCE[Gly105Ser]CKSFFKRSVR

ClinVar aggregate classification (germline): Pathogenic/Likely pathogenic. Review status: criteria provided, multiple submitters, no conflicts (2 of 4 stars). 3 submissions from 3 submitters: Pathogenic (2); Likely pathogenic (1). Last evaluated 2024-07-19.

Conditions:
Bosch-Boonstra-Schaaf optic atrophy syndrome (BBSOAS). Also called: NR2F1-Related Neurodevelopmental Disorder. Identifiers: Orphanet 401777, MedGen C3810363, MONDO:0014320, OMIM 615722.

Submissions (3):

Labcorp Genetics (formerly Invitae), Labcorp
Classification: Pathogenic. Last evaluated: 2024-07-19. Review status: criteria provided, single submitter. Criteria: Invitae Variant Classification Sherloc (09022015). Collection method: clinical testing. Allele origin: germline.
Comment: This sequence change replaces glycine, which is neutral and non-polar, with serine, which is neutral and polar, at codon 105 of the NR2F1 protein (p.Gly105Ser). This variant is not present in population databases (gnomAD no frequency). This missense change has been observed in individual(s) with Bosch–Boonstra–Schaaf optic atrophy syndrome (PMID: 32412696). In at least one individual the variant was observed to be de novo. ClinVar contains an entry for this variant (Variation ID: 452994). Advanced modeling of protein sequence and biophysical properties (such as structural, functional, and spatial information, amino acid conservation, physicochemical variation, residue mobility, and thermodynamic stability) performed at Invitae indicates that this missense variant is expected to disrupt NR2F1 protein function with a positive predictive value of 80%. For these reasons, this variant has been classified as Pathogenic.

GeneDx
Classification: Pathogenic. Last evaluated: 2023-12-25. Review status: criteria provided, single submitter. Criteria: GeneDx Variant Classification Process June 2021. Collection method: clinical testing. Allele origin: germline. Affected: yes.
Comment: Not observed at significant frequency in large population cohorts (gnomAD); In silico analysis supports that this missense variant has a deleterious effect on protein structure/function; This variant is associated with the following publications: (PMID: 26986877, 32412696)

Institute of Medical Genetics, ASUI Udine
Classification: Likely pathogenic for Bosch-Boonstra-Schaaf optic atrophy syndrome. Last evaluated: 2020-01-17. Review status: criteria provided, single submitter. Criteria: ACMG Guidelines, 2015. Collection method: clinical testing. Allele origin: de novo. Affected: yes. Observed: 1 heterozygote.
Comment: The Gly105Ser variant in NR2F1 has been evaluated as de novo in two monozygotic twins affected by the Bosch-Boonstra-Schaaf optic atrophy syndrome (BBSOAS), whose main phenotype are characterized by myoclonic epilepsy in infancy, psychomotor retardation, language delay, vision loss and nystagmus due to optic nerve atrophy (ONA). Following the American College of Medical Genetics and Genomics (ACMG) guidelines, the variant is classified as likely pathogenic, matching 4 out of 6 specific criteria (PM1, PM2, PP2, PP3). Molecular modeling and molecular dynamic simulations highlights that the complexes mutation introduces a distortion and stiffening in the DNA-binding domain, compromising the receptor functions.

Literature cited by the submitters: PubMed 32412696 (cited by Labcorp Genetics (formerly Invitae), Labcorp).